The following is an entry in ClinVar:

ClinVar aggregate classification (germline): Conflicting classifications of pathogenicity. Review status: criteria provided, conflicting classifications (1 of 4 stars). 5 submissions from 5 submitters: Uncertain significance (4); Likely benign (1). Last evaluated 2025-09-15.

Conditions:
Hereditary cancer-predisposing syndrome. Also called: Hereditary neoplastic syndrome; Hereditary Cancer Syndrome; Neoplastic Syndromes, Hereditary; Tumor predisposition. Identifiers: Orphanet 140162, MedGen C0027672, MeSH D009386, MONDO:0015356.
Familial adenomatous polyposis 2. Also called: MYH-associated polyposis; COLORECTAL ADENOMATOUS POLYPOSIS, AUTOSOMAL RECESSIVE; ADENOMAS, MULTIPLE COLORECTAL, AUTOSOMAL RECESSIVE; MUTYH-related attenuated familial adenomatous polyposis; Adenomas, multiple colorectal; FAP type 2. Identifiers: Orphanet 220460, Orphanet 247798, MedGen C3272841, MONDO:0012041, OMIM 608456.

Allele frequency attached by ClinVar (database versions not stated): gnomAD exomes 0.00001.
gnomAD v4.1: 3 of 1,614,178 alleles (0.00019%); highest among the groups gnomAD compares: Admixed American, 0.0033%; no homozygotes.

Submissions (5):

Ambry Genetics
Classification: Likely benign for Hereditary cancer-predisposing syndrome. Last evaluated: 2025-09-15. Review status: criteria provided, single submitter. Criteria: Ambry Variant Classification Scheme 2023. Collection method: clinical testing. Allele origin: germline.

Labcorp Genetics (formerly Invitae), Labcorp
Classification: Uncertain significance for Familial adenomatous polyposis 2. Last evaluated: 2025-06-18. Review status: criteria provided, single submitter. Criteria: Invitae Variant Classification Sherloc (09022015). Collection method: clinical testing. Allele origin: germline.
Comment: This sequence change replaces glutamic acid, which is acidic and polar, with lysine, which is basic and polar, at codon 195 of the MUTYH protein (p.Glu195Lys). This variant is present in population databases (no rsID available, gnomAD 0.006%). This variant has not been reported in the literature in individuals affected with MUTYH-related conditions. ClinVar contains an entry for this variant (Variation ID: 483920). An algorithm developed to predict the effect of missense changes on protein structure and function (PolyPhen-2) suggests that this variant is likely to be tolerated. In summary, the available evidence is currently insufficient to determine the role of this variant in disease. Therefore, it has been classified as a Variant of Uncertain Significance.

Quest Diagnostics Nichols Institute San Juan Capistrano
Classification: Uncertain significance. Last evaluated: 2025-05-05. Review status: criteria provided, single submitter. Criteria: Quest Diagnostics criteria. Collection method: clinical testing. Allele origin: unknown.
Comment: The MUTYH c.583G>A (p.Glu195Lys) variant has not been reported in individuals with MUTYH-related conditions in the published literature. The frequency of this variant in the general population (Genome Aggregation Database) is uninformative in the assessment of its pathogenicity. Analysis of this variant using bioinformatics tools for the prediction of the effect of amino acid changes on protein structure and function yielded predictions that this variant is benign. Based on the available information, we are unable to determine the clinical significance of this variant.

Color Diagnostics, LLC DBA Color Health
Classification: Uncertain significance for Hereditary cancer-predisposing syndrome. Last evaluated: 2023-12-05. Review status: criteria provided, single submitter. Criteria: ACMG Guidelines, 2015. Collection method: clinical testing. Allele origin: germline.
Comment: This missense variant replaces glutamic acid with lysine at codon 195 of the MUTYH protein. Computational prediction suggests that this variant may not impact protein structure and function (internally defined REVEL score threshold <= 0.5, PMID: 27666373). To our knowledge, functional studies have not been reported for this variant. This variant has not been reported in individuals affected with MUTYH-related disorders in the literature. This variant has been identified in 2/251466 chromosomes in the general population by the Genome Aggregation Database (gnomAD). The available evidence is insufficient to determine the role of this variant in disease conclusively. Therefore, this variant is classified as a Variant of Uncertain Significance.

GeneDx
Classification: Uncertain significance. Last evaluated: 2019-12-03. Review status: criteria provided, single submitter. Criteria: GeneDx Variant Classification Process June 2021. Collection method: clinical testing. Allele origin: germline. Affected: yes.
Comment: Not observed at a significant frequency in large population cohorts (Lek 2016); In silico analysis, which includes protein predictors and evolutionary conservation, supports that this variant does not alter protein structure/function; Has not been previously published as pathogenic or benign to our knowledge

NM_001048174.2(MUTYH):c.499G>A (p.Glu167Lys)

Gene: MUTYH (mutY DNA glycosylase; minus strand). Cytogenetic location: 1p34.1.
Variant type: single nucleotide variant.
Coding change: c.499G>A on transcript NM_001048174.2 (MANE Select); coding-DNA position 499, G replaced by A.
Protein change: p.Glu167Lys; replaces glutamic acid 167 with lysine.
Molecular consequence: missense variant. On other transcripts: non-coding transcript variant (2).
Genome position (GRCh38, 1-based): chr1:45,332,681, C>T on the plus strand (G>A on the coding strand, the complement: MUTYH is on the minus strand). VCF-style: chr1-45332681-C-T. GRCh37 (hg19) VCF-style: chr1-45798353-C-T.
Other names: c.499G>A, p.Glu167Lys (NM_001048171.2, NM_001048173.2, NM_001293195.2); c.502G>A, p.Glu168Lys (NM_001048172.2); c.583G>A, p.Glu195Lys (NM_001128425.2); c.544G>A, p.Glu182Lys (NM_001293190.2); c.532G>A, p.Glu178Lys (NM_001293191.2); c.223G>A, p.Glu75Lys (NM_001293192.2, NM_001293196.2); c.154G>A, p.Glu52Lys (NM_001350650.2, NM_001350651.2); c.574G>A, p.Glu192Lys (NM_012222.3); short protein forms E195K, E167K, E192K, E75K, E168K, E178K, E182K, E52K.
Identifiers: ClinVar variation 483920 (VCV000483920.23), dbSNP rs1384803634, ClinGen allele CA340135458.
Genomic context (GRCh38, chr1:45,332,681, plus strand): 5'-CGCCAGGCAGGAGCTGCTGCAGGGTCTCTGCTGTACGTGGCATGTGGCCCCCTAGCTCCT[C>T]TACCACCTGATTGGAGTGCAAGACTCAAGATTATAAGACACCCAAGACTCCTGGGTTCCT-3'
Protein context (NP_001041639.1, residues 157-177): RLQEGARKVV[Glu167Lys]ELGGHMPRTA